The following is an entry in ClinVar:

ClinVar aggregate classification (germline): Pathogenic (1 of 4 stars; one submission).

Conditions:
Early-infantile DEE. Also called: Early infantile epileptic encephalopathy with suppression bursts; Early infantile epileptic encephalopathy; Ohtahara syndrome. Identifiers: Orphanet 1934, MedGen C0393706, MONDO:0800491.

Submission:

Labcorp Genetics (formerly Invitae), Labcorp
Classification: Pathogenic for Early-infantile DEE. Last evaluated: 2024-02-26. Review status: criteria provided, single submitter. Criteria: Invitae Variant Classification Sherloc (09022015). Collection method: clinical testing. Allele origin: germline.
Comment: This sequence change creates a premature translational stop signal (p.Met400Ilefs*50) in the SCN1A gene. It is expected to result in an absent or disrupted protein product. Loss-of-function variants in SCN1A are known to be pathogenic (PMID: 17347258, 18930999). This variant is not present in population databases (gnomAD no frequency). This variant has not been reported in the literature in individuals affected with SCN1A-related conditions. ClinVar contains an entry for this variant (Variation ID: 1456436). For these reasons, this variant has been classified as Pathogenic.

Literature cited by the submitters: PubMed 17347258; PubMed 18930999.

NM_001165963.4(SCN1A):c.1199dup (p.Met400fs)

Gene: SCN1A (sodium voltage-gated channel alpha subunit 1; minus strand). Cytogenetic location: 2q24.3.
Variant type: Duplication.
Coding change: c.1199dup on transcript NM_001165963.4 (MANE Select); coding-DNA position 1199, one base duplicated (T; older notation c.1199dupT).
Protein change: p.Met400fs; shifts the reading frame from methionine 400.
Molecular consequence: frameshift variant. On other transcripts: 5 prime UTR variant (1), non-coding transcript variant (1).
Genome position (GRCh38, 1-based): chr2:166,046,948, A duplicated on the plus strand (T on the coding strand, the reverse complement: SCN1A is on the minus strand). VCF-style (leftmost placement, unchanged base first): chr2-166046947-C-CA. GRCh37 (hg19) VCF-style: chr2-166903457-C-CA.
Other names: c.1199dup, p.Met400fs (NM_001353951.2, NM_001353952.2, NM_001353954.2 and 10 more transcripts); c.-1227dup (NM_001353961.2); short protein forms M400fs.
Identifiers: ClinVar variation 1456436 (VCV001456436.7), dbSNP rs2105862581, ClinGen allele CA2573133547.
Genomic context (GRCh38, chr2:166,046,947, plus strand): 5'-AGCCAGGATCAAATTTATTAGGTAGAATGAGCCCAAGAAAATGACCAATACAAAAAATAT[C>CA]ATGTACGTTTTCCCAGCAGCACGTAATGTCTGCAAACAAAAATATCAGAATTATTTCTCA-3'